The following is an entry in ClinVar:

NM_006514.4(SCN10A):c.1747G>A (p.Asp583Asn)

Gene: SCN10A (sodium voltage-gated channel alpha subunit 10; minus strand). Cytogenetic location: 3p22.2.
Variant type: single nucleotide variant.
Coding change: c.1747G>A on transcript NM_006514.4 (MANE Select); coding-DNA position 1747, G replaced by A.
Protein change: p.Asp583Asn; replaces aspartic acid 583 with asparagine.
Molecular consequence: missense variant. On other transcripts: intron variant (1).
Genome position (GRCh38, 1-based): chr3:38,752,227, C>T on the plus strand (G>A on the coding strand, the complement: SCN10A is on the minus strand). VCF-style: chr3-38752227-C-T. GRCh37 (hg19) VCF-style: chr3-38793718-C-T.
Other names: c.1747G>A, p.Asp583Asn (NM_001293306.2); c.1462-2043G>A (NM_001293307.2); short protein forms D583N.
Identifiers: ClinVar variation 1060603 (VCV001060603.6), dbSNP rs910976049, ClinGen allele CA72986326.
Genomic context (GRCh38, chr3:38,752,227, plus strand): 5'-GGCTTCTAGGTGGAAGACAGCCTGAGGGAGTCTGAAGCATTCACAAACTCACCGAGACAT[C>T]GACAGCTCCAGGGGCAAGCTCACTAGTGGGCGGCGGTTGGTGTTCATCTTCTCCATGCCT-3'
Protein context (NP_006505.4, residues 573-593): PTSELAPGAV[Asp583Asn]VSAFDAGQKK

ClinVar aggregate classification (germline): Uncertain significance. Review status: criteria provided, multiple submitters, no conflicts (2 of 4 stars). 2 submissions from 2 submitters: Uncertain significance (2). Last evaluated 2025-03-31.

Conditions:
Brugada syndrome. Also called: Sudden Unexplained Death Syndrome; Sudden Unexplained Nocturnal Death Syndrome (SUNDS); Sudden unexpected nocturnal death syndrome; Sudden unexplained nocturnal death syndrome. Identifiers: Orphanet 130, MedGen C1142166, MONDO:0015263.
Cardiovascular phenotype. Identifiers: MedGen CN230736.

Allele frequency attached by ClinVar (database versions not stated): TOPMed 0.00005; gnomAD exomes 0.00002; gnomAD 0.00004.
gnomAD v4.1: 31 of 1,517,270 alleles (0.002%); highest among the groups gnomAD compares: East Asian, 0.0048%; no homozygotes.

Submissions (2):

Ambry Genetics
Classification: Uncertain significance for Cardiovascular phenotype. Last evaluated: 2025-03-31. Review status: criteria provided, single submitter. Criteria: Ambry Variant Classification Scheme 2023. Collection method: clinical testing. Allele origin: germline.

Labcorp Genetics (formerly Invitae), Labcorp
Classification: Uncertain significance for Brugada syndrome. Last evaluated: 2022-07-23. Review status: criteria provided, single submitter. Criteria: Invitae Variant Classification Sherloc (09022015). Collection method: clinical testing. Allele origin: germline.
Comment: This sequence change replaces aspartic acid, which is acidic and polar, with asparagine, which is neutral and polar, at codon 583 of the SCN10A protein (p.Asp583Asn). The frequency data for this variant in the population databases is considered unreliable, as metrics indicate poor data quality at this position in the gnomAD database. This variant has not been reported in the literature in individuals affected with SCN10A-related conditions. ClinVar contains an entry for this variant (Variation ID: 1060603). Advanced modeling of protein sequence and biophysical properties (such as structural, functional, and spatial information, amino acid conservation, physicochemical variation, residue mobility, and thermodynamic stability) performed at Invitae indicates that this missense variant is not expected to disrupt SCN10A protein function. In summary, the available evidence is currently insufficient to determine the role of this variant in disease. Therefore, it has been classified as a Variant of Uncertain Significance.